The following is an entry in ClinVar:

ClinVar aggregate classification (germline): Uncertain significance (1 of 4 stars; one submission).

Submission:

Athena Diagnostics
Classification: Uncertain significance. Last evaluated: 2024-07-03. Review status: criteria provided, single submitter. Criteria: Athena Diagnostics Criteria. Collection method: clinical testing. Allele origin: unknown.
Comment: Available data are insufficient to determine the clinical significance of the variant at this time. This variant has not been reported in large, multi-ethnic general populations. Polyphen and MutationTaster predict this amino acid change may be damaging to the protein.

NM_000426.4(LAMA2):c.122C>T (p.Pro41Leu)

Gene: LAMA2 (laminin subunit alpha 2; plus strand). Cytogenetic location: 6q22.33.
Variant type: single nucleotide variant.
Coding change: c.122C>T on transcript NM_000426.4 (MANE Select); coding-DNA position 122, C replaced by T.
Protein change: p.Pro41Leu; replaces proline 41 with leucine.
Molecular consequence: missense variant.
Genome position (GRCh38, 1-based): chr6:129,049,927, C>T. VCF-style: chr6-129049927-C-T. GRCh37 (hg19) VCF-style: chr6-129371072-C-T.
Other names: c.122C>T, p.Pro41Leu (NM_001079823.2); short protein forms P41L.
Identifiers: ClinVar variation 3571708 (VCV003571708.1).